The following is an entry in ClinVar:

ClinVar aggregate classification (germline): Uncertain significance (1 of 4 stars; one submission).

Submission:

Dasa
Classification: Uncertain significance. Last evaluated: 2025-05-27. Review status: criteria provided, single submitter. Criteria: DASA Assertion Criteria. Collection method: clinical testing. Allele origin: germline.
Comment: NM_001136157.2(OTUD5):c.41C>A (p.Ala14Asp) is a missense variant that results in the substitution of alanine with aspartic acid. This variant is rare in population databases. Computational prediction algorithms are consistent with a benign effect. The currently available literature and clinical evidence are not sufficient to establish a definitive association between this variant and the reported condition. Therefore, this variant is classified as a variant of uncertain significance.

NM_001136157.2(OTUD5):c.41C>A (p.Ala14Asp)

Gene: OTUD5 (OTU deubiquitinase 5; minus strand). Cytogenetic location: Xp11.23.
Variant type: single nucleotide variant.
Coding change: c.41C>A on transcript NM_001136157.2 (MANE Select); coding-DNA position 41, C replaced by A.
Protein change: p.Ala14Asp; replaces alanine 14 with aspartic acid.
Molecular consequence: missense variant. On other transcripts: intron variant (1).
Genome position (GRCh38, 1-based): chrX:48,957,530, G>T on the plus strand (C>A on the coding strand, the complement: OTUD5 is on the minus strand). VCF-style: chrX-48957530-G-T. GRCh37 (hg19) VCF-style: chrX-48814792-G-T.
Other names: c.41C>A, p.Ala14Asp (NM_001136158.2, NM_017602.4); c.-58+702C>A (NM_001136159.2); short protein forms A14D.
Identifiers: ClinVar variation 4852693 (VCV004852693.2).